The following is an entry in ClinVar:

NM_031263.4(HNRNPK):c.517-6C>G

Genes: HNRNPK (heterogeneous nuclear ribonucleoprotein K; minus strand), HNRNPK-AS1 (HNRNPK antisense RNA 1; plus strand). Cytogenetic location: 9q21.32.
Variant type: single nucleotide variant.
Coding change: c.517-6C>G on transcript NM_031263.4 (MANE Select); 6 bases into the intron before coding-DNA position 517, C replaced by G.
Molecular consequence: intron variant.
Genome position (GRCh38, 1-based): chr9:83,972,978, G>C on the plus strand (C>G on the coding strand, the complement: HNRNPK is on the minus strand). VCF-style: chr9-83972978-G-C. GRCh37 (hg19) VCF-style: chr9-86587893-G-C.
Other names: c.517-6C>G (NM_031262.4, NM_002140.5, NM_001318188.2); c.445-6C>G (NM_001318186.2, NM_001318187.2).
Identifiers: ClinVar variation 3254997 (VCV003254997.1), dbSNP rs1564063356.
Genomic context (GRCh38, chr9:83,972,978, plus strand): 5'-TGTCAGTGGAATGAGGACAGCATTCCTGGAAAAGCTTGATGGTGGTTTGAGTGTTCTGTA[G>C]TAAGATCATAAAAAAAAATAATAATAATTAGAAGAAAATTAGCTTTCCTAGGTTCAGTGA-3'

ClinVar aggregate classification (germline): Uncertain significance (1 of 4 stars; one submission).

Conditions:
Au-Kline syndrome. Also called: Neurodevelopmental disorder-craniofacial dysmorphism-cardiac defect-hip dysplasia syndrome due to a point mutation; Okamoto syndrome. Identifiers: Orphanet 2729, Orphanet 453499, Orphanet 453504, MedGen C4225274, MONDO:0014700, OMIM 616580.

Submission:

Victorian Clinical Genetics Services, Murdoch Childrens Research Institute
Classification: Uncertain significance for Au-Kline syndrome. Last evaluated: 2023-12-21. Review status: criteria provided, single submitter. Criteria: ACMG Guidelines, 2015. Collection method: clinical testing. Allele origin: germline. Inheritance: Autosomal dominant inheritance. Affected: yes.
Comment: Based on the classification scheme VCGS_Germline_v1.3.4, this variant is classified as VUS-3A. Following criteria are met: 0102 - Loss of function is a known mechanism of disease in this gene and is associated with Au-Kline syndrome (MIM#616580). (I) 0107 - This gene is associated with autosomal dominant disease. (I) 0212 - Non-canonical splice site variant without proven consequence on splicing (no functional evidence available). (SP) 0251 - This variant is heterozygous. (I) 0301 - Variant is absent from gnomAD (both v2 and v3). (SP) 0311 - An alternative nucleotide change at the same non-canonical splice site, is present in gnomAD (v2) (1 heterozygote, 0 homozygotes). (I) 0508 - In silico predictions for abnormal splicing are conflicting. (I) 0705 - No comparable non-canonical splice variants at the same nucleotide position have previous evidence for pathogenicity. (I) 0807 - This variant has no previous evidence of pathogenicity. (I) 0905 - No published segregation evidence has been identified for this variant. (I) 1007 - No published functional evidence has been identified for this variant. (I) 1102 - Strong phenotype match for this individual. (SP) Legend: (SP) - Supporting pathogenic, (I) - Information, (SB) - Supporting benign